The following is an entry in ClinVar:

ClinVar aggregate classification (germline): Uncertain significance (1 of 4 stars; one submission).

Conditions:
Cataract 21 multiple types. Also called: Cataract, congenital, cerulean type, 4; CATARACT 21, MULTIPLE TYPES, WITH OR WITHOUT MICROCORNEA; CATARACT 21, CERULEAN, WITH OR WITHOUT MICROCORNEA; CATARACT 21, MULTIPLE TYPES, WITH MICROCORNEA. Identifiers: Orphanet 91492, MedGen C1857768, MONDO:0012437, OMIM 610202.

Submission:

MGZ Medical Genetics Center
Classification: Uncertain significance for Cataract 21 multiple types. Last evaluated: 2022-08-25. Review status: criteria provided, single submitter. Criteria: ACMG Guidelines, 2015. Collection method: clinical testing. Allele origin: germline. Affected: yes. Observed: 1 variant allele.
Comment: ACMG criteria applied: PM1, PM2_SUP, PP3

NM_005360.5(MAF):c.899G>A (p.Gly300Asp)

Gene: MAF (MAF bZIP transcription factor; minus strand). Cytogenetic location: 16q23.2.
Variant type: single nucleotide variant.
Coding change: c.899G>A on transcript NM_005360.5 (MANE Select); coding-DNA position 899, G replaced by A.
Protein change: p.Gly300Asp; replaces glycine 300 with aspartic acid.
Molecular consequence: missense variant.
Genome position (GRCh38, 1-based): chr16:79,599,004, C>T on the plus strand (G>A on the coding strand, the complement: MAF is on the minus strand). VCF-style: chr16-79599004-C-T. GRCh37 (hg19) VCF-style: chr16-79632901-C-T.
Other names: c.899G>A, p.Gly300Asp (NM_001031804.3); short protein forms G300D.
Identifiers: ClinVar variation 1709635 (VCV001709635.2), dbSNP rs2507654866, ClinGen allele CA396534994.